The following is an entry in ClinVar:

ClinVar aggregate classification (germline): Uncertain significance (1 of 4 stars; one submission).

Allele frequency attached by ClinVar (database versions not stated): gnomAD 0.00001; gnomAD exomes 0.00001 and 0.00002; TOPMed 0.00001.

Submission:

Labcorp Genetics (formerly Invitae), Labcorp
Classification: Uncertain significance. Last evaluated: 2021-09-17. Review status: criteria provided, single submitter. Criteria: Invitae Variant Classification Sherloc (09022015). Collection method: clinical testing. Allele origin: germline.
Comment: Variants that disrupt the consensus splice site are a relatively common cause of aberrant splicing (PMID: 17576681, 9536098). Algorithms developed to predict the effect of sequence changes on RNA splicing suggest that this variant is not likely to affect RNA splicing. This variant has not been reported in the literature in individuals affected with ITGAM-related conditions. This variant is not present in population databases (ExAC no frequency). This sequence change falls in intron 7 of the ITGAM gene. It does not directly change the encoded amino acid sequence of the ITGAM protein. It affects a nucleotide within the consensus splice site of the intron. In summary, the available evidence is currently insufficient to determine the role of this variant in disease. Therefore, it has been classified as a Variant of Uncertain Significance.

Literature cited by the submitters: PubMed 17576681; PubMed 9536098.

NM_000632.4(ITGAM):c.704+6C>T

Gene: ITGAM (integrin subunit alpha M; plus strand). Cytogenetic location: 16p11.2.
Variant type: single nucleotide variant.
Coding change: c.704+6C>T on transcript NM_000632.4 (MANE Select); 6 bases into the intron after coding-DNA position 704, C replaced by T.
Molecular consequence: intron variant.
Genome position (GRCh38, 1-based): chr16:31,271,998, C>T. VCF-style: chr16-31271998-C-T. GRCh37 (hg19) VCF-style: chr16-31283319-C-T.
Other names: c.704+6C>T (NM_001145808.2).
Identifiers: ClinVar variation 1514583 (VCV001514583.6), dbSNP rs545845256, ClinGen allele CA280604503.
Genomic context (GRCh38, chr16:31,271,998, plus strand): 5'-CAATAACGCAGCTGCTTGGGCGGACACACACGGCCACGGGCATCCGCAAAGTGGTGTAAG[C>T]TTCCCCTTTTCCCTTAGGATGGAGGGAGGAGGAGACACTTTTAGCTGGGCTTTGATGGAT-3'